The following is an entry in ClinVar:

NM_001042545.2(LTBP4):c.1578C>T (p.Arg526=)

Gene: LTBP4 (latent transforming growth factor beta binding protein 4; plus strand). Cytogenetic location: 19q13.2.
Variant type: single nucleotide variant.
Coding change: c.1578C>T on transcript NM_001042545.2 (MANE Select); coding-DNA position 1578, C replaced by T.
Protein change: p.Arg526=; no amino-acid change (arginine 526 retained).
Molecular consequence: synonymous variant.
Genome position (GRCh38, 1-based): chr19:40,609,765, C>T. VCF-style: chr19-40609765-C-T. GRCh37 (hg19) VCF-style: chr19-41115671-C-T.
Other names: c.1779C>T, p.Arg593= (NM_001042544.1); c.1668C>T, p.Arg556= (NM_003573.2).
Identifiers: ClinVar variation 390648 (VCV000390648.3), dbSNP rs368999152, ClinGen allele CA16608226.

ClinVar aggregate classification (germline): Likely benign. Review status: criteria provided, multiple submitters, no conflicts (2 of 4 stars). 2 submissions from 2 submitters: Likely benign (2). Last evaluated 2024-10-18.

Allele frequency attached by ClinVar (database versions not stated): gnomAD 0.00001; gnomAD exomes 0.00001 and 0.00002; TOPMed 0.00001; ESP Exome Variant Server 0.00008.
gnomAD v4.1: 26 of 1,611,878 alleles (0.0016%); highest among the groups gnomAD compares: East Asian, 0.0022%; no homozygotes.

Submissions (2):

Labcorp Genetics (formerly Invitae), Labcorp
Classification: Likely benign. Last evaluated: 2024-10-18. Review status: criteria provided, single submitter. Criteria: Invitae Variant Classification Sherloc (09022015). Collection method: clinical testing. Allele origin: germline.

GeneDx
Classification: Likely benign. Last evaluated: 2016-11-08. Review status: criteria provided, single submitter. Criteria: GeneDx Variant Classification (06012015). Collection method: clinical testing. Allele origin: germline. Affected: yes.
Comment: This variant is considered likely benign or benign based on one or more of the following criteria: it is a conservative change, it occurs at a poorly conserved position in the protein, it is predicted to be benign by multiple in silico algorithms, and/or has population frequency not consistent with disease.